The following is an entry in ClinVar:

ClinVar aggregate classification (germline): Likely benign. Review status: criteria provided, multiple submitters, no conflicts (2 of 4 stars). 7 submissions from 7 submitters: Likely benign (5). 2 of the submissions do not count toward it. Last evaluated 2026-02-02.

Conditions:
Cardiovascular phenotype. Identifiers: MedGen CN230736.
Autosomal recessive limb-girdle muscular dystrophy type 2J (LGMDR10). Also called: Limb-girdle muscular dystrophy, type 2J; MUSCULAR DYSTROPHY, LIMB-GIRDLE, AUTOSOMAL RECESSIVE 10. Identifiers: Orphanet 140922, MedGen C1837342, MONDO:0012127, OMIM 608807.
Dilated cardiomyopathy 1G (CMD1G). Identifiers: Orphanet 154, MedGen C1858763, MONDO:0011400, OMIM 604145.

Allele frequency attached by ClinVar (database versions not stated): gnomAD below 0.00001 and 0.00004; TOPMed 0.00002; gnomAD exomes 0.00005 and 0.00009; ESP Exome Variant Server 0.00008; ExAC 0.00010; 1000 Genomes Project 30x 0.00016; 1000 Genomes Project 0.00020.
gnomAD v4.1: 83 of 1,614,088 alleles (0.0051%); highest among the groups gnomAD compares: South Asian, 0.086%; no homozygotes.

Submissions (7):

Labcorp Genetics (formerly Invitae), Labcorp
Classification: Likely benign for Dilated cardiomyopathy 1G; Autosomal recessive limb-girdle muscular dystrophy type 2J. Last evaluated: 2026-02-02. Review status: criteria provided, single submitter. Criteria: Invitae Variant Classification Sherloc (09022015). Collection method: clinical testing. Allele origin: germline.

Ambry Genetics
Classification: Likely benign for Cardiovascular phenotype. Last evaluated: 2022-08-30. Review status: criteria provided, single submitter. Criteria: Ambry Variant Classification Scheme 2023. Collection method: clinical testing. Allele origin: germline.

Women's Health and Genetics/Laboratory Corporation of America, LabCorp
Classification: Likely benign. Last evaluated: 2022-02-12. Review status: criteria provided, single submitter. Criteria: LabCorp Variant Classification Summary - May 2015. Collection method: clinical testing. Allele origin: germline.

Blueprint Genetics
Classification: Likely benign. Last evaluated: 2021-07-29. Review status: criteria provided, single submitter. Criteria: ACMG Guidelines, 2015. Collection method: clinical testing. Allele origin: germline.

Laboratory for Molecular Medicine, Mass General Brigham Personalized Medicine
Classification: Likely benign. Last evaluated: 2012-03-19. Review status: criteria provided, single submitter. Criteria: LMM Criteria. Collection method: clinical testing. Allele origin: germline. Observed: 1 variant allele.
Comment: p.Thr869Thr in Exon 16 of TTN: This variant is not expected to have clinical sig nificance because it does not alter an amino acid residue, is not located within the splice consensus sequence. It has been identified in 1/3738 African America n chromosomes from a broad population by the NHLBI Exome Sequencing Project (dbSNP rs143969192).

Clinical Genetics DNA and cytogenetics Diagnostics Lab, Erasmus MC, Erasmus Medical Center
Classification: Likely benign. Review status: no assertion criteria provided. Collection method: clinical testing. Allele origin: germline. Affected: yes. Study: VKGL Data-share Consensus. Not counted in ClinVar's aggregate classification.

Clinical Genetics, Academic Medical Center
Classification: Benign. Review status: no assertion criteria provided. Collection method: clinical testing. Allele origin: germline. Affected: yes. Study: VKGL Data-share Consensus. Not counted in ClinVar's aggregate classification.

NM_001267550.2(TTN):c.2607T>C (p.Thr869=)

Gene: TTN (titin; minus strand). Cytogenetic location: 2q31.2.
Variant type: single nucleotide variant.
Coding change: c.2607T>C on transcript NM_001267550.2 (MANE Select); coding-DNA position 2607, T replaced by C.
Protein change: p.Thr869=; no amino-acid change (threonine 869 retained).
Molecular consequence: synonymous variant.
Genome position (GRCh38, 1-based): chr2:178,784,238, A>G on the plus strand (T>C on the coding strand, the complement: TTN is on the minus strand). VCF-style: chr2-178784238-A-G. GRCh37 (hg19) VCF-style: chr2-179648965-A-G.
Other names: c.2607T>C, p.Thr869= (NM_133378.4, NM_001256850.1, NM_133379.5); c.2469T>C, p.Thr823= (NM_003319.4, NM_133432.3, NM_133437.4).
Identifiers: ClinVar variation 228076 (VCV000228076.21), dbSNP rs143969192, ClinGen allele CA2005777.